The following is an entry in ClinVar:

ClinVar aggregate classification (germline): Uncertain significance (1 of 4 stars; one submission).

Conditions:
Hereditary cancer-predisposing syndrome. Also called: Neoplastic Syndromes, Hereditary; Tumor predisposition; Hereditary Cancer Syndrome; Hereditary neoplastic syndrome. Identifiers: Orphanet 140162, MedGen C0027672, MeSH D009386, MONDO:0015356.

Submission:

Ambry Genetics
Classification: Uncertain significance for Hereditary cancer-predisposing syndrome. Last evaluated: 2024-08-14. Review status: criteria provided, single submitter. Criteria: Ambry Variant Classification Scheme 2023. Collection method: clinical testing. Allele origin: germline.
Comment: The p.V1154L variant (also known as c.3460G>T) is located in coding exon 29 of the POLE gene. The valine at codon 1154 is replaced by leucine, an amino acid with highly similar properties. This change occurs in the first base pair of coding exon 29. This amino acid position is conserved. In addition, this alteration is predicted to be tolerated by in silico analysis. Based on the available evidence, the clinical significance of this variant remains unclear.

NM_006231.4(POLE):c.3460G>T (p.Val1154Leu)

Gene: POLE (DNA polymerase epsilon, catalytic subunit; minus strand). Cytogenetic location: 12q24.33.
Variant type: single nucleotide variant.
Coding change: c.3460G>T on transcript NM_006231.4 (MANE Select); coding-DNA position 3460, G replaced by T.
Protein change: p.Val1154Leu; replaces valine 1154 with leucine.
Molecular consequence: missense variant.
Genome position (GRCh38, 1-based): chr12:132,657,258, C>A on the plus strand (G>T on the coding strand, the complement: POLE is on the minus strand). VCF-style: chr12-132657258-C-A. GRCh37 (hg19) VCF-style: chr12-133233844-C-A.
Other names: short protein forms V1154L.
Identifiers: ClinVar variation 3422133 (VCV003422133.1).